The following is an entry in ClinVar:

ClinVar aggregate classification (germline): Uncertain significance. Review status: criteria provided, multiple submitters, no conflicts (2 of 4 stars). 2 submissions from 2 submitters: Uncertain significance (2). Last evaluated 2025-08-19.

Conditions:
Hereditary cancer-predisposing syndrome. Also called: Neoplastic Syndromes, Hereditary; Hereditary Cancer Syndrome; Tumor predisposition; Hereditary neoplastic syndrome. Identifiers: Orphanet 140162, MedGen C0027672, MeSH D009386, MONDO:0015356.
Ataxia-telangiectasia syndrome (AT). Also called: Ataxia-telangiectasia, complementation group D; ATAXIA-TELANGIECTASIA, COMPLEMENTATION GROUP A; ATAXIA-TELANGIECTASIA, FRESNO VARIANT; Ataxia-telangiectasia; Ataxia-telangiectasia, complementation group E; LOUIS-BAR SYNDROME. Identifiers: Orphanet 100, MedGen C0004135, MONDO:0008840, OMIM 208900.

Submissions (2):

Ambry Genetics
Classification: Uncertain significance for Hereditary cancer-predisposing syndrome. Last evaluated: 2025-08-19. Review status: criteria provided, single submitter. Criteria: Ambry Variant Classification Scheme 2023. Collection method: clinical testing. Allele origin: germline.
Comment: The p.W308R variant (also known as c.922T>A), located in coding exon 7 of the ATM gene, results from a T to A substitution at nucleotide position 922. The tryptophan at codon 308 is replaced by arginine, an amino acid with dissimilar properties. This amino acid position is conserved. In addition, this alteration is predicted to be deleterious by in silico analysis. Based on the available evidence, the clinical significance of this variant remains unclear.

Labcorp Genetics (formerly Invitae), Labcorp
Classification: Uncertain significance for Ataxia-telangiectasia syndrome. Last evaluated: 2020-07-29. Review status: criteria provided, single submitter. Criteria: Invitae Variant Classification Sherloc (09022015). Collection method: clinical testing. Allele origin: germline.
Comment: In summary, the available evidence is currently insufficient to determine the role of this variant in disease. Therefore, it has been classified as a Variant of Uncertain Significance. Advanced modeling of protein sequence and biophysical properties (such as structural, functional, and spatial information, amino acid conservation, physicochemical variation, residue mobility, and thermodynamic stability) performed at Invitae indicates that this missense variant is not expected to disrupt ATM protein function. This variant has not been reported in the literature in individuals with ATM-related conditions. This variant is not present in population databases (ExAC no frequency). This sequence change replaces tryptophan with arginine at codon 308 of the ATM protein (p.Trp308Arg). The tryptophan residue is highly conserved and there is a moderate physicochemical difference between tryptophan and arginine.

NM_000051.4(ATM):c.922T>A (p.Trp308Arg)

Gene: ATM (ATM serine/threonine kinase; plus strand). Cytogenetic location: 11q22.3.
Variant type: single nucleotide variant.
Coding change: c.922T>A on transcript NM_000051.4 (MANE Select); coding-DNA position 922, T replaced by A.
Protein change: p.Trp308Arg; replaces tryptophan 308 with arginine.
Molecular consequence: missense variant.
Genome position (GRCh38, 1-based): chr11:108,246,984, T>A. VCF-style: chr11-108246984-T-A. GRCh37 (hg19) VCF-style: chr11-108117711-T-A.
Other names: c.922T>A, p.Trp308Arg (NM_001351834.2); c.922T>A (NM_000051.3); short protein forms W308R.
Identifiers: ClinVar variation 1038380 (VCV001038380.9), dbSNP rs2079878501, ClinGen allele CA382530578.